The following is an entry in ClinVar:

ClinVar aggregate classification (germline): Conflicting classifications of pathogenicity. Review status: criteria provided, conflicting classifications (1 of 4 stars). 3 submissions from 3 submitters: Uncertain significance (2); Likely benign (1). Last evaluated 2026-06-17.

Conditions:
Hereditary diffuse gastric adenocarcinoma (HDGC). Also called: DIFFUSE GASTRIC AND LOBULAR BREAST CANCER SYNDROME. Identifiers: Orphanet 26106, MedGen C1708349, MONDO:0007648, OMIM 137215.
Blepharocheilodontic syndrome 1 (BCDS1). Identifiers: Orphanet 1997, MedGen C4551988, MONDO:0054740, OMIM 119580.
Endometrial carcinoma. Also called: Endometrial carcinoma, somatic. Identifiers: MedGen C0476089, MONDO:0002447, OMIM 608089, HP:0012114.
Ovarian cancer. Also called: OVARIAN CANCER, SOMATIC. Identifiers: Orphanet 213500, MedGen C1140680, MONDO:0008170, OMIM 167000.
Familial cancer of breast. Also called: BREAST CANCER, FAMILIAL; hereditary breast carcinoma; Hereditary breast cancer. Identifiers: Orphanet 227535, MedGen C0346153, MONDO:0016419, OMIM 114480. Disease mechanism: loss of function.
Hereditary cancer-predisposing syndrome. Also called: Neoplastic Syndromes, Hereditary; Hereditary Cancer Syndrome; Tumor predisposition; Hereditary neoplastic syndrome. Identifiers: Orphanet 140162, MedGen C0027672, MeSH D009386, MONDO:0015356.

Submissions (3):

Ambry Genetics
Classification: Likely benign for Hereditary cancer-predisposing syndrome. Last evaluated: 2026-06-17. Review status: criteria provided, single submitter. Criteria: Ambry Variant Classification Scheme 2023. Collection method: clinical testing. Allele origin: germline.

Labcorp Genetics (formerly Invitae), Labcorp
Classification: Uncertain significance for Hereditary diffuse gastric adenocarcinoma. Last evaluated: 2025-09-14. Review status: criteria provided, single submitter. Criteria: Invitae Variant Classification Sherloc (09022015). Collection method: clinical testing. Allele origin: germline.
Comment: This sequence change replaces tyrosine, which is neutral and polar, with cysteine, which is neutral and slightly polar, at codon 107 of the CDH1 protein (p.Tyr107Cys). This variant is not present in population databases (gnomAD no frequency). This variant has not been reported in the literature in individuals affected with CDH1-related conditions. ClinVar contains an entry for this variant (Variation ID: 406659). An algorithm developed to predict the effect of missense changes on protein structure and function (PolyPhen-2) suggests that this variant is likely to be disruptive. In summary, the available evidence is currently insufficient to determine the role of this variant in disease. Therefore, it has been classified as a Variant of Uncertain Significance.

Fulgent Genetics
Classification: Uncertain significance for Familial cancer of breast; Blepharocheilodontic syndrome 1; Hereditary diffuse gastric adenocarcinoma; Ovarian cancer; Endometrial carcinoma. Last evaluated: 2024-05-07. Review status: criteria provided, single submitter. Criteria: ACMG Guidelines, 2015. Collection method: clinical testing. Allele origin: germline.

NM_004360.5(CDH1):c.320A>G (p.Tyr107Cys)

Gene: CDH1 (cadherin 1; plus strand). Cytogenetic location: 16q22.1.
Variant type: single nucleotide variant.
Coding change: c.320A>G on transcript NM_004360.5 (MANE Select); coding-DNA position 320, A replaced by G.
Protein change: p.Tyr107Cys; replaces tyrosine 107 with cysteine.
Molecular consequence: missense variant. On other transcripts: 5 prime UTR variant (2).
Genome position (GRCh38, 1-based): chr16:68,801,826, A>G. VCF-style: chr16-68801826-A-G. GRCh37 (hg19) VCF-style: chr16-68835729-A-G.
Other names: c.320A>G, p.Tyr107Cys (NM_001317184.2); c.-1296A>G (NM_001317185.2); c.-1500A>G (NM_001317186.2); c.320A>G (LRG_301t1); short protein forms Y107C.
Identifiers: ClinVar variation 406659 (VCV000406659.16), dbSNP rs1060501241, ClinGen allele CA16614957.
Genomic context (GRCh38, chr16:68,801,826, plus strand): 5'-GGCCTCTACGGTTTCATAACCCACAGATCCATTTCTTGGTCTACGCCTGGGACTCCACCT[A>G]CAGAAAGTTTTCCACCAAAGTCACGCTGAATACAGTGGGGCACCACCACCGCCCCCCGCC-3'
Protein context (NP_004351.1, residues 97-117): HFLVYAWDST[Tyr107Cys]RKFSTKVTLN